The following is an entry in ClinVar:

NM_013382.7(POMT2):c.795C>G (p.Phe265Leu)

Gene: POMT2 (protein O-mannosyltransferase 2; minus strand). Cytogenetic location: 14q24.3.
Variant type: single nucleotide variant.
Coding change: c.795C>G on transcript NM_013382.7 (MANE Select); coding-DNA position 795, C replaced by G.
Protein change: p.Phe265Leu; replaces phenylalanine 265 with leucine.
Molecular consequence: missense variant.
Genome position (GRCh38, 1-based): chr14:77,301,111, G>C on the plus strand (C>G on the coding strand, the complement: POMT2 is on the minus strand). VCF-style: chr14-77301111-G-C. GRCh37 (hg19) VCF-style: chr14-77767454-G-C.
Other names: short protein forms F265L.
Identifiers: ClinVar variation 498388 (VCV000498388.10), dbSNP rs765276419, ClinGen allele CA390520117.
Genomic context (GRCh38, chr14:77,301,111, plus strand): 5'-GAGCAAAAACATTTCCACAGCAAACCCTTGGGTGCTCACCAATGAAAGACTGAGGTCTCC[G>C]AACAGGTACCAAAGGTCTGCAATGGTGTTCAGCCCCACTTGAAGGATGATAAAGAGGCCA-3'
Protein context (NP_037514.2, residues 255-275): LNTIADLWYL[Phe265Leu]GDLSLSLVTV

ClinVar aggregate classification (germline): Uncertain significance. Review status: criteria provided, multiple submitters, no conflicts (2 of 4 stars). 3 submissions from 3 submitters: Uncertain significance (3). Last evaluated 2025-10-01.

Conditions:
Muscular dystrophy-dystroglycanopathy (congenital with brain and eye anomalies), type A2. Also called: MUSCULAR DYSTROPHY-DYSTROGLYCANOPATHY (CONGENITAL WITH BRAIN AND EYE ANOMALIES), TYPE A, 2; WALKER-WARBURG SYNDROME OR MUSCLE-EYE-BRAIN DISEASE, POMT2-RELATED. Identifiers: Orphanet 588, Orphanet 899, MedGen C3150411, MONDO:0013154, OMIM 613150.
Muscular dystrophy-dystroglycanopathy (congenital with impaired intellectual development), type B, 2. Also called: Muscular dystrophy-dystroglycanopathy (congenital with intellectual disability), type B2; MUSCULAR DYSTROPHY, CONGENITAL, POMT2-RELATED. Identifiers: MedGen C3150416, MONDO:0013160, OMIM 613156.
Autosomal recessive limb-girdle muscular dystrophy type 2N. Also called: Muscular dystrophy-dystroglycanopathy (limb-girdle), type C, 2; MUSCULAR DYSTROPHY-DYSTROGLYCANOPATHY, LIMB-GIRDLE, POMT2-RELATED. Identifiers: Orphanet 206559, MedGen C3150418, MONDO:0013162, OMIM 613158.

gnomAD v4.1: 3 of 1,614,012 alleles (0.00019%); highest among the groups gnomAD compares: Admixed American, 0.005%; no homozygotes.

Submissions (3):

Labcorp Genetics (formerly Invitae), Labcorp
Classification: Uncertain significance for Muscular dystrophy-dystroglycanopathy (congenital with impaired intellectual development), type B, 2; Muscular dystrophy-dystroglycanopathy (congenital with brain and eye anomalies), type A2; Autosomal recessive limb-girdle muscular dystrophy type 2N. Last evaluated: 2025-10-01. Review status: criteria provided, single submitter. Criteria: Invitae Variant Classification Sherloc (09022015). Collection method: clinical testing. Allele origin: germline.
Comment: This sequence change replaces phenylalanine, which is neutral and non-polar, with leucine, which is neutral and non-polar, at codon 265 of the POMT2 protein (p.Phe265Leu). This variant is not present in population databases (gnomAD no frequency). This variant has not been reported in the literature in individuals affected with POMT2-related conditions. ClinVar contains an entry for this variant (Variation ID: 498388). Invitae Evidence Modeling of protein sequence and biophysical properties (such as structural, functional, and spatial information, amino acid conservation, physicochemical variation, residue mobility, and thermodynamic stability) indicates that this missense variant is not expected to disrupt POMT2 protein function with a negative predictive value of 95%. Algorithms developed to predict the effect of sequence changes on RNA splicing suggest that this variant may disrupt the consensus splice site. In summary, the available evidence is currently insufficient to determine the role of this variant in disease. Therefore, it has been classified as a Variant of Uncertain Significance.

Eurofins Ntd Llc (ga)
Classification: Uncertain significance. Last evaluated: 2016-11-11. Review status: criteria provided, single submitter. Criteria: EGL Classification Definitions 2015. Collection method: clinical testing. Allele origin: germline. Observed: 1 variant allele, 1 heterozygote.

Breakthrough Genomics
Classification: Uncertain significance. Review status: criteria provided, single submitter. Criteria: ACMG Guidelines, 2015. Collection method: not provided. Allele origin: germline. Inheritance: Autosomal recessive inheritance. Affected: yes.